The following is an entry in ClinVar:

NM_014804.3(KIAA0753):c.148C>T (p.Arg50Ter)

Gene: KIAA0753 (KIAA0753; minus strand). Cytogenetic location: 17p13.1.
Variant type: single nucleotide variant.
Coding change: c.148C>T on transcript NM_014804.3 (MANE Select); coding-DNA position 148, C replaced by T.
Protein change: p.Arg50Ter; replaces arginine 50 with a stop codon.
Molecular consequence: nonsense. On other transcripts: 5 prime UTR variant (1), non-coding transcript variant (3).
Genome position (GRCh38, 1-based): chr17:6,628,687, G>A on the plus strand (C>T on the coding strand, the complement: KIAA0753 is on the minus strand). VCF-style: chr17-6628687-G-A. GRCh37 (hg19) VCF-style: chr17-6532007-G-A.
Other names: c.-1087C>T (NM_001351225.2); short protein forms R50*.
Identifiers: ClinVar variation 3607571 (VCV003607571.3).

ClinVar aggregate classification (germline): Pathogenic/Likely pathogenic. Review status: criteria provided, multiple submitters, no conflicts (2 of 4 stars). 2 submissions from 2 submitters: Pathogenic (1); Likely pathogenic (1). Last evaluated 2025-07-13.

Conditions:
KIAA0753-related disorder.

gnomAD v4.1: 32 of 1,613,400 alleles (0.002%); highest among the groups gnomAD compares: African/African-American, 0.011%; no homozygotes.

Submissions (2):

Labcorp Genetics (formerly Invitae), Labcorp
Classification: Pathogenic. Last evaluated: 2025-07-13. Review status: criteria provided, single submitter. Criteria: Invitae Variant Classification Sherloc (09022015). Collection method: clinical testing. Allele origin: germline.
Comment: This sequence change creates a premature translational stop signal (p.Arg50*) in the KIAA0753 gene. It is expected to result in an absent or disrupted protein product. Loss-of-function variants in KIAA0753 are known to be pathogenic (PMID: 29138412). This variant is present in population databases (rs200553162, gnomAD 0.02%). This variant has not been reported in the literature in individuals affected with KIAA0753-related conditions. ClinVar contains an entry for this variant (Variation ID: 3607571). Algorithms developed to predict the effect of sequence changes on RNA splicing suggest that this variant may disrupt the consensus splice site. For these reasons, this variant has been classified as Pathogenic.

Blueprint Genetics
Classification: Likely pathogenic for KIAA0753-related disorders. Last evaluated: 2024-07-18. Review status: criteria provided, single submitter. Criteria: ACMG Guidelines, 2015. Collection method: clinical testing. Allele origin: germline. Affected: yes. Observed: 5 variant alleles.

Literature cited by the submitters: PubMed 29138412 (cited by Labcorp Genetics (formerly Invitae), Labcorp).